The following is an entry in ClinVar:

ClinVar aggregate classification (germline): Uncertain significance (1 of 4 stars; one submission).

Submission:

Labcorp Genetics (formerly Invitae), Labcorp
Classification: Uncertain significance. Last evaluated: 2023-01-10. Review status: criteria provided, single submitter. Criteria: Invitae Variant Classification Sherloc (09022015). Collection method: clinical testing. Allele origin: germline.
Comment: Advanced modeling of protein sequence and biophysical properties (such as structural, functional, and spatial information, amino acid conservation, physicochemical variation, residue mobility, and thermodynamic stability) has been performed at Invitae for this missense variant, however the output from this modeling did not meet the statistical confidence thresholds required to predict the impact of this variant on KMT2A protein function. In summary, the available evidence is currently insufficient to determine the role of this variant in disease. Therefore, it has been classified as a Variant of Uncertain Significance. ClinVar contains an entry for this variant (Variation ID: 1721890). This variant has not been reported in the literature in individuals affected with KMT2A-related conditions. This variant is not present in population databases (gnomAD no frequency). This sequence change replaces leucine, which is neutral and non-polar, with proline, which is neutral and non-polar, at codon 1711 of the KMT2A protein (p.Leu1711Pro).

NM_001197104.2(KMT2A):c.5132T>C (p.Leu1711Pro)

Gene: KMT2A (lysine methyltransferase 2A; plus strand). Cytogenetic location: 11q23.3.
Variant type: single nucleotide variant.
Coding change: c.5132T>C on transcript NM_001197104.2 (MANE Select); coding-DNA position 5132, T replaced by C.
Protein change: p.Leu1711Pro; replaces leucine 1711 with proline.
Molecular consequence: missense variant.
Genome position (GRCh38, 1-based): chr11:118,493,184, T>C. VCF-style: chr11-118493184-T-C. GRCh37 (hg19) VCF-style: chr11-118363899-T-C.
Other names: c.5222T>C, p.Leu1741Pro (NM_001412597.1); c.5123T>C, p.Leu1708Pro (NM_005933.4); short protein forms L1708P, L1711P, L1741P.
Identifiers: ClinVar variation 1721890 (VCV001721890.5), dbSNP rs2496929753, ClinGen allele CA382837119.